The following is an entry in ClinVar:

ClinVar aggregate classification (germline): Uncertain significance (1 of 4 stars; one submission).

Conditions:
Mucopolysaccharidosis, MPS-IV-B (MPS4B). Also called: MORQUIO SYNDROME B; Mucopolysaccharidosis type IV B; Mucopolysaccharidosis Type IVB; Mucopolysaccharidosis type 4B; Mucopolysaccharidosis Type IVB (Morquio B Disease); Mucopolysaccharidosis type IVB (Morquio). Identifiers: Orphanet 309310, Orphanet 582, MedGen C0086652, MONDO:0009660, OMIM 253010.
GM1 gangliosidosis. Identifiers: Orphanet 354, MedGen C0085131, MONDO:0018149.

Submission:

Labcorp Genetics (formerly Invitae), Labcorp
Classification: Uncertain significance for Mucopolysaccharidosis, MPS-IV-B; GM1 gangliosidosis. Last evaluated: 2024-11-11. Review status: criteria provided, single submitter. Criteria: Invitae Variant Classification Sherloc (09022015). Collection method: clinical testing. Allele origin: germline.
Comment: This sequence change replaces isoleucine, which is neutral and non-polar, with serine, which is neutral and polar, at codon 583 of the GLB1 protein (p.Ile583Ser). This variant is not present in population databases (gnomAD no frequency). This variant has not been reported in the literature in individuals affected with GLB1-related conditions. Invitae Evidence Modeling of protein sequence and biophysical properties (such as structural, functional, and spatial information, amino acid conservation, physicochemical variation, residue mobility, and thermodynamic stability) indicates that this missense variant is expected to disrupt GLB1 protein function with a positive predictive value of 95%. In summary, the available evidence is currently insufficient to determine the role of this variant in disease. Therefore, it has been classified as a Variant of Uncertain Significance.

NM_000404.4(GLB1):c.1748T>G (p.Ile583Ser)

Gene: GLB1 (galactosidase beta 1; minus strand). Cytogenetic location: 3p22.3.
Variant type: single nucleotide variant.
Coding change: c.1748T>G on transcript NM_000404.4 (MANE Select); coding-DNA position 1748, T replaced by G.
Protein change: p.Ile583Ser; replaces isoleucine 583 with serine.
Molecular consequence: missense variant. On other transcripts: intron variant (1).
Genome position (GRCh38, 1-based): chr3:32,997,331, A>C on the plus strand (T>G on the coding strand, the complement: GLB1 is on the minus strand). VCF-style: chr3-32997331-A-C. GRCh37 (hg19) VCF-style: chr3-33038823-A-C.
Other names: c.1658T>G, p.Ile553Ser (NM_001079811.3); c.1355T>G, p.Ile452Ser (NM_001135602.3); c.1892T>G, p.Ile631Ser (NM_001317040.2); c.1734+16725T>G (NM_001393580.1); short protein forms I452S, I553S, I583S, I631S.
Identifiers: ClinVar variation 3753904 (VCV003753904.2).